The following is an entry in ClinVar:

ClinVar aggregate classification (germline): Uncertain significance (1 of 4 stars; one submission).

Conditions:
Intellectual developmental disorder with dysmorphic facies and ptosis (IDDDFP). Identifiers: Orphanet 698090, MedGen C4310617, MONDO:0015022, OMIM 617333.

Submission:

Victorian Clinical Genetics Services, Murdoch Childrens Research Institute
Classification: Uncertain significance for Intellectual developmental disorder with dysmorphic facies and ptosis. Last evaluated: 2020-05-21. Review status: criteria provided, single submitter. Criteria: ACMG Guidelines, 2015. Collection method: clinical testing. Allele origin: germline. Inheritance: Autosomal dominant inheritance.
Comment: Based on the classification scheme VCGS_Germline_v1.1.1, this variant is classified as VUS-3B. Following criteria are met: 0102 - Loss-of-function is a known mechanism of disease for this gene. (N) 0107 - This gene is known to be associated with autosomal dominant disease. (N) 0200 - Variant is predicted to result in a missense amino acid change from valine to glutamic acid (exon 3). (N) 0251 - Variant is heterozygous. (N) 0301 - Variant is absent from gnomAD. (P) 0309 - An alternative amino acid change at the same position has been observed in gnomAD (1 Heteterozygote, 0 Homozygotes). (N) 0501 - Missense variant consistently predicted to be damaging by multiple in-silico tools or highly conserved with a major amino acid change. (P) 0600 - Variant is located in an annotated domain or motif (COG5141 superfamily; NCBI) (N) 0705 - No comparable variants have previous evidence for pathogenicity. (N) 0807 - Variant has not previously been reported in a clinical context. (N) 0905 - No segregation evidence has been identified for this variant. (N) 1007 - No published functional evidence has been identified for this variant. (N) 1208 - Inheritance information for this variant is not currently available. (N) Legend: (P) - Pathogenic, (N) - Neutral, (B) - Benign

NM_001003694.2(BRPF1):c.809T>A (p.Val270Glu)

Gene: BRPF1 (bromodomain and PHD finger containing 1; plus strand). Cytogenetic location: 3p25.3.
Variant type: single nucleotide variant.
Coding change: c.809T>A on transcript NM_001003694.2 (MANE Select); coding-DNA position 809, T replaced by A.
Protein change: p.Val270Glu; replaces valine 270 with glutamic acid.
Molecular consequence: missense variant. On other transcripts: non-coding transcript variant (1).
Genome position (GRCh38, 1-based): chr3:9,739,208, T>A. VCF-style: chr3-9739208-T-A. GRCh37 (hg19) VCF-style: chr3-9780892-T-A.
Other names: c.809T>A, p.Val270Glu (NM_001319049.2, NM_001319050.2, NM_001410704.1 and 1 more transcripts); short protein forms V270E.
Identifiers: ClinVar variation 1806051 (VCV001806051.1), dbSNP rs2471470187, ClinGen allele CA351685125.